The following is an entry in ClinVar:

NM_001292063.2(OTOG):c.4375G>A (p.Val1459Ile)

Gene: OTOG (otogelin; plus strand). Cytogenetic location: 11p15.1.
Variant type: single nucleotide variant.
Coding change: c.4375G>A on transcript NM_001292063.2 (MANE Select); coding-DNA position 4375, G replaced by A.
Protein change: p.Val1459Ile; replaces valine 1459 with isoleucine.
Molecular consequence: missense variant.
Genome position (GRCh38, 1-based): chr11:17,609,675, G>A. VCF-style: chr11-17609675-G-A. GRCh37 (hg19) VCF-style: chr11-17631222-G-A.
Other names: c.4411G>A, p.Val1471Ile (NM_001277269.2); short protein forms V1459I, V1471I.
Identifiers: ClinVar variation 2171268 (VCV002171268.4), dbSNP rs1245549972, ClinGen allele CA379795417.

ClinVar aggregate classification (germline): Uncertain significance (1 of 4 stars; one submission).

Allele frequency attached by ClinVar (database versions not stated): gnomAD 0.00004; TOPMed 0.00005.
gnomAD v4.1: 8 of 1,498,168 alleles (0.00053%); highest among the groups gnomAD compares: African/African-American, 0.0098%; no homozygotes.

Submission:

Labcorp Genetics (formerly Invitae), Labcorp
Classification: Uncertain significance. Last evaluated: 2022-02-27. Review status: criteria provided, single submitter. Criteria: Invitae Variant Classification Sherloc (09022015). Collection method: clinical testing. Allele origin: germline.
Comment: In summary, the available evidence is currently insufficient to determine the role of this variant in disease. Therefore, it has been classified as a Variant of Uncertain Significance. This sequence change replaces valine, which is neutral and non-polar, with isoleucine, which is neutral and non-polar, at codon 1471 of the OTOG protein (p.Val1471Ile). This variant is present in population databases (no rsID available, gnomAD 0.02%). This variant has not been reported in the literature in individuals affected with OTOG-related conditions. Algorithms developed to predict the effect of missense changes on protein structure and function output the following: SIFT: "Tolerated"; PolyPhen-2: "Benign"; Align-GVGD: "Class C0". The isoleucine amino acid residue is found in multiple mammalian species, which suggests that this missense change does not adversely affect protein function.